The following is an entry in ClinVar:

NM_003172.4(SURF1):c.190T>C (p.Trp64Arg)

Gene: SURF1 (SURF1 cytochrome c oxidase assembly factor; minus strand). Cytogenetic location: 9q34.2.
Variant type: single nucleotide variant.
Coding change: c.190T>C on transcript NM_003172.4 (MANE Select); coding-DNA position 190, T replaced by C.
Protein change: p.Trp64Arg; replaces tryptophan 64 with arginine.
Molecular consequence: missense variant. On other transcripts: 5 prime UTR variant (1).
Genome position (GRCh38, 1-based): chr9:133,354,874, A>G on the plus strand (T>C on the coding strand, the complement: SURF1 is on the minus strand). VCF-style: chr9-133354874-A-G. GRCh37 (hg19) VCF-style: chr9-136221729-A-G.
Other names: c.-138T>C (NM_001280787.1); c.190T>C (NM_003172.2); short protein forms W64R.
Identifiers: ClinVar variation 2140609 (VCV002140609.2), dbSNP rs1159375387, ClinGen allele CA375694816.

ClinVar aggregate classification (germline): Uncertain significance. Review status: criteria provided, multiple submitters, no conflicts (2 of 4 stars). 2 submissions from 2 submitters: Uncertain significance (2). Last evaluated 2026-04-06.

Conditions:
Leigh syndrome (NULS). Also called: Leigh Disease; Subacute necrotizing encephalopathy; Necrotizing encephalopathy infantile subacute of Leigh; Leigh's necrotizing encephalopathy; Leigh's disease; Leigh's syndrome. Identifiers: Orphanet 506, MedGen C2931891, MONDO:0009723, OMIM 256000.

Allele frequency attached by ClinVar (database versions not stated): gnomAD exomes 0.00001; TOPMed 0.00001.
gnomAD v4.1: 5 of 1,614,014 alleles (0.00031%); highest among the groups gnomAD compares: South Asian, 0.0011%; no homozygotes.

Submissions (2):

GeneDx
Classification: Uncertain significance. Last evaluated: 2026-04-06. Review status: criteria provided, single submitter. Criteria: GeneDx Variant Classification Process June 2021. Collection method: clinical testing. Allele origin: germline.
Comment: Not observed at significant frequency in large population cohorts (gnomAD); In silico analysis supports that this missense variant has a deleterious effect on protein structure/function; Has not been previously published as pathogenic or benign to our knowledge

Labcorp Genetics (formerly Invitae), Labcorp
Classification: Uncertain significance for Leigh syndrome. Last evaluated: 2022-06-30. Review status: criteria provided, single submitter. Criteria: Invitae Variant Classification Sherloc (09022015). Collection method: clinical testing. Allele origin: germline.
Comment: This sequence change replaces tryptophan, which is neutral and slightly polar, with arginine, which is basic and polar, at codon 64 of the SURF1 protein (p.Trp64Arg). This variant is present in population databases (no rsID available, gnomAD 0.0009%). This variant has not been reported in the literature in individuals affected with SURF1-related conditions. Algorithms developed to predict the effect of missense changes on protein structure and function are either unavailable or do not agree on the potential impact of this missense change (SIFT: "Deleterious"; PolyPhen-2: "Probably Damaging"; Align-GVGD: "Class C0"). In summary, the available evidence is currently insufficient to determine the role of this variant in disease. Therefore, it has been classified as a Variant of Uncertain Significance.